The following is an entry in ClinVar:

ClinVar aggregate classification (germline): Uncertain significance (1 of 4 stars; one submission).

Conditions:
Friedreich ataxia 1 (FRDA1). Identifiers: Orphanet 95, MedGen C1856689, MONDO:0100340, OMIM 229300.

gnomAD v4.1: 1 of 1,613,768 alleles (0.000062%); highest among the groups gnomAD compares: Non-Finnish European, 0.000085%; no homozygotes.

Submission:

Clinical Genetics Laboratory, University Hospital Schleswig-Holstein
Classification: Uncertain significance for Friedreich ataxia 1. Last evaluated: 2025-12-15. Review status: criteria provided, single submitter. Criteria: ACMG Guidelines, 2015. Collection method: clinical testing. Allele origin: germline. Affected: yes. Observed: 1 homozygote.
Comment: ACMG criteria applied: PM2, PP3, PM3

NM_000144.5(FXN):c.364G>T (p.Asp122Tyr)

Gene: FXN (frataxin; plus strand). Cytogenetic location: 9q21.11.
Variant type: single nucleotide variant.
Coding change: c.364G>T on transcript NM_000144.5 (MANE Select); coding-DNA position 364, G replaced by T.
Protein change: p.Asp122Tyr; replaces aspartic acid 122 with tyrosine.
Molecular consequence: missense variant.
Genome position (GRCh38, 1-based): chr9:69,053,240, G>T. VCF-style: chr9-69053240-G-T. GRCh37 (hg19) VCF-style: chr9-71668156-G-T.
Other names: c.364G>T, p.Asp122Tyr (NM_181425.3); short protein forms D122Y.
Identifiers: ClinVar variation 4891544 (VCV004891544.1).